The following is an entry in ClinVar:

ClinVar aggregate classification (germline): Uncertain significance (1 of 4 stars; one submission).

Submission:

Labcorp Genetics (formerly Invitae), Labcorp
Classification: Uncertain significance. Last evaluated: 2024-08-12. Review status: criteria provided, single submitter. Criteria: Invitae Variant Classification Sherloc (09022015). Collection method: clinical testing. Allele origin: germline.
Comment: This sequence change replaces glutamic acid, which is acidic and polar, with aspartic acid, which is acidic and polar, at codon 377 of the CLCN6 protein (p.Glu377Asp). This variant is not present in population databases (gnomAD no frequency). This variant has not been reported in the literature in individuals affected with CLCN6-related conditions. An algorithm developed to predict the effect of missense changes on protein structure and function (PolyPhen-2) suggests that this variant is likely to be disruptive. In summary, the available evidence is currently insufficient to determine the role of this variant in disease. Therefore, it has been classified as a Variant of Uncertain Significance.

NM_001286.5(CLCN6):c.1131G>C (p.Glu377Asp)

Gene: CLCN6 (chloride voltage-gated channel 6; plus strand). Cytogenetic location: 1p36.22.
Variant type: single nucleotide variant.
Coding change: c.1131G>C on transcript NM_001286.5 (MANE Select); coding-DNA position 1131, G replaced by C.
Protein change: p.Glu377Asp; replaces glutamic acid 377 with aspartic acid.
Molecular consequence: missense variant. On other transcripts: non-coding transcript variant (1).
Genome position (GRCh38, 1-based): chr1:11,829,205, G>C. VCF-style: chr1-11829205-G-C. GRCh37 (hg19) VCF-style: chr1-11889262-G-C.
Other names: c.1065G>C, p.Glu355Asp (NM_001256959.2); short protein forms E355D, E377D.
Identifiers: ClinVar variation 3632181 (VCV003632181.2).
Genomic context (GRCh38, chr1:11,829,205, plus strand): 5'-AGACCAGAGCTTCTTTCTGTGGCGTTGTAACAGCTGTGCTTTGCCTCCTAGAGTCTTAGA[G>C]AGCCTCCTTGTGTCTCTGGTAACCACCGTGGTGGTGTTTGTGGCCTCGATGGTGTTAGGA-3'
Protein context (NP_001277.2, residues 367-387): HPKPKLVRVL[Glu377Asp]SLLVSLVTTV